The following is an entry in ClinVar:

NM_014874.4(MFN2):c.928C>T (p.Leu310Phe)

Gene: MFN2 (mitofusin 2; plus strand). Cytogenetic location: 1p36.22.
Variant type: single nucleotide variant.
Coding change: c.928C>T on transcript NM_014874.4 (MANE Select); coding-DNA position 928, C replaced by T.
Protein change: p.Leu310Phe; replaces leucine 310 with phenylalanine.
Molecular consequence: missense variant.
Genome position (GRCh38, 1-based): chr1:12,001,512, C>T. VCF-style: chr1-12001512-C-T. GRCh37 (hg19) VCF-style: chr1-12061569-C-T.
Other names: c.928C>T (NM_014874.3); c.928C>T, p.Leu310Phe (NM_001127660.2); short protein forms L310F.
Identifiers: ClinVar variation 1175732 (VCV001175732.36), dbSNP rs1044699189, ClinGen allele CA338441902.
Genomic context (GRCh38, chr1:12,001,512, plus strand): 5'-GGCGTGGTGGATCGATCCCAGGCCGGGGACCGCATCTTCTTTGTGTCTGCTAAGGAGGTG[C>T]TCAACGCCAGGATTCAGAAAGCCCAGGGCATGCCTGAAGGAGGTAATGATGAGAACAGAT-3'
Protein context (NP_055689.1, residues 300-320): RIFFVSAKEV[Leu310Phe]NARIQKAQGM

ClinVar aggregate classification (germline): Uncertain significance. Review status: criteria provided, multiple submitters, no conflicts (2 of 4 stars). 2 submissions from 2 submitters: Uncertain significance (2). Last evaluated 2026-04-02.

Submissions (2):

GeneDx
Classification: Uncertain significance. Last evaluated: 2026-04-02. Review status: criteria provided, single submitter. Criteria: GeneDx Variant Classification Process June 2021. Collection method: clinical testing. Allele origin: germline.
Comment: Not observed at significant frequency in large population cohorts (gnomAD); In silico analysis supports that this missense variant has a deleterious effect on protein structure/function; Has not been previously published as pathogenic or benign to our knowledge

CeGaT Center for Human Genetics Tuebingen
Classification: Uncertain significance. Last evaluated: 2021-05-01. Review status: criteria provided, single submitter. Criteria: CeGaT Center For Human Genetics Tuebingen Variant Classification Criteria Version 2. Collection method: clinical testing. Allele origin: germline. Affected: yes. Observed: 1 variant allele.